The following is an entry in ClinVar:

NM_007294.4(BRCA1):c.1898del (p.Pro633fs)

Gene: BRCA1 (BRCA1 DNA repair associated; minus strand). Cytogenetic location: 17q21.31.
Variant type: Deletion.
Coding change: c.1898del on transcript NM_007294.4 (MANE Select); coding-DNA position 1898, one base deleted (C; older notation c.1898delC).
Protein change: p.Pro633fs; shifts the reading frame from proline 633.
Molecular consequence: frameshift variant. On other transcripts: intron variant (137).
Genome position (GRCh38, 1-based): chr17:43,093,633, G deleted on the plus strand (C on the coding strand, the reverse complement: BRCA1 is on the minus strand); the first of 3 consecutive G bases (chr17:43,093,633-43,093,635); deleting any one gives the same sequence. VCF-style (leftmost placement, unchanged base first): chr17-43093632-TG-T. GRCh37 (hg19) VCF-style: chr17-41245649-TG-T.
Other names: 2017delC; c.1898delC (NM_007294.3); c.1775del, p.Pro592fs (NM_001407679.1, NM_001407680.1, NM_001407681.1 and 19 more transcripts); c.1898del, p.Pro633fs (NM_001407684.1, NM_001407854.1, NM_001407858.1 and 30 more transcripts); c.1772del, p.Pro591fs (NM_001407685.1, NM_001407686.1, NM_001407687.1 and 11 more transcripts); c.1757del, p.Pro586fs (NM_001407692.1, NM_001407694.1, NM_001407695.1 and 29 more transcripts); c.1754del, p.Pro585fs (NM_001407740.1, NM_001407741.1, NM_001407742.1 and 20 more transcripts); c.1685del, p.Pro562fs (NM_001407853.1, NM_001407894.1, NM_001407895.1 and 9 more transcripts); and 42 more; short protein forms P586fs, P633fs, P505fs, P506fs, P585fs, P545fs, P566fs, P591fs.
Identifiers: ClinVar variation 54388 (VCV000054388.14), dbSNP rs80357851, ClinGen allele CA001239.

ClinVar aggregate classification (germline): Pathogenic. Review status: reviewed by expert panel (3 of 4 stars). 5 submissions from 5 submitters: Pathogenic (1). 4 of the submissions do not count toward it. Last evaluated 2016-09-08.

Conditions:
Hereditary cancer-predisposing syndrome. Also called: Tumor predisposition; Neoplastic Syndromes, Hereditary; Hereditary Cancer Syndrome; Hereditary neoplastic syndrome. Identifiers: Orphanet 140162, MedGen C0027672, MeSH D009386, MONDO:0015356.
Hereditary breast ovarian cancer syndrome. Also called: Hereditary breast and ovarian cancer syndrome (HBOC); Hereditary breast and ovarian cancer syndrome; Hereditary breast and ovarian cancer; Hereditary breast and/or ovarian cancer syndrome; Breast and ovarian cancer; BRCA1- and BRCA2-Associated Hereditary Breast and Ovarian Cancer. Identifiers: Orphanet 145, MedGen C0677776, MeSH D061325, MONDO:0003582. Disease mechanism: loss of function.
Breast-ovarian cancer, familial, susceptibility to, 1 (BROVCA1). Also called: OVARIAN CANCER, SUSCEPTIBILITY TO; BRCA1 Hereditary Breast and Ovarian Cancer. Identifiers: Orphanet 145, MedGen C2676676, MONDO:0011450, OMIM 604370. Disease mechanism: loss of function.

Submissions (5):

Evidence-based Network for the Interpretation of Germline Mutant Alleles (ENIGMA)
Classification: Pathogenic for Breast-ovarian cancer, familial, susceptibility to, 1. Last evaluated: 2016-09-08. Review status: reviewed by expert panel. Criteria: ENIGMA BRCA1/2 Classification Criteria (2015). Collection method: curation. Allele origin: germline.
Comment: Variant allele predicted to encode a truncated non-functional protein.

Labcorp Genetics (formerly Invitae), Labcorp
Classification: Pathogenic for Hereditary breast ovarian cancer syndrome. Last evaluated: 2025-07-17. Review status: criteria provided, single submitter. Criteria: Invitae Variant Classification Sherloc (09022015). Collection method: clinical testing. Allele origin: germline. Not counted in ClinVar's aggregate classification.
Comment: This sequence change creates a premature translational stop signal (p.Pro633Hisfs*18) in the BRCA1 gene. It is expected to result in an absent or disrupted protein product. Loss-of-function variants in BRCA1 are known to be pathogenic (PMID: 20104584). This variant is not present in population databases (gnomAD no frequency). This premature translational stop signal has been observed in individual(s) with BRCA1-related conditions (PMID: 10923033, 21520333). ClinVar contains an entry for this variant (Variation ID: 54388). For these reasons, this variant has been classified as Pathogenic.

Ambry Genetics
Classification: Pathogenic for Hereditary cancer-predisposing syndrome. Last evaluated: 2024-10-25. Review status: criteria provided, single submitter. Criteria: Ambry Variant Classification Scheme 2023. Collection method: clinical testing. Allele origin: germline. Not counted in ClinVar's aggregate classification.
Comment: The c.1898delC pathogenic mutation, located in coding exon 9 of the BRCA1 gene, results from a deletion of one nucleotide at nucleotide position 1898, causing a translational frameshift with a predicted alternate stop codon (p.P633Hfs*18). This variant is considered to be rare based on population cohorts in the Genome Aggregation Database (gnomAD). This alteration is expected to result in loss of function by premature protein truncation or nonsense-mediated mRNA decay. As such, this alteration is interpreted as a disease-causing mutation.

Consortium of Investigators of Modifiers of BRCA1/2 (CIMBA), c/o University of Cambridge
Classification: Pathogenic for Breast-ovarian cancer, familial, susceptibility to, 1. Last evaluated: 2015-10-02. Review status: criteria provided, single submitter. Criteria: CIMBA Mutation Classification guidelines May 2016. Collection method: clinical testing. Allele origin: germline. Not counted in ClinVar's aggregate classification.

Breast Cancer Information Core (BIC) (BRCA1)
Classification: Pathogenic for Breast-ovarian cancer, familial 1. Last evaluated: 2002-05-29. Review status: no assertion criteria provided. Collection method: clinical testing. Allele origin: germline. Affected: yes. Observed: 4 variant alleles. Not counted in ClinVar's aggregate classification.

Literature cited by the submitters: PubMed 20104584 (cited by Labcorp Genetics (formerly Invitae), Labcorp); PubMed 10923033 (cited by Labcorp Genetics (formerly Invitae), Labcorp); PubMed 21520333 (cited by Labcorp Genetics (formerly Invitae), Labcorp).